The following is an entry in ClinVar:

NM_020297.4(ABCC9):c.632T>G (p.Leu211Arg)

Gene: ABCC9 (ATP binding cassette subfamily C member 9; minus strand). Cytogenetic location: 12p12.1.
Variant type: single nucleotide variant.
Coding change: c.632T>G on transcript NM_020297.4 (MANE Select); coding-DNA position 632, T replaced by G.
Protein change: p.Leu211Arg; replaces leucine 211 with arginine.
Molecular consequence: missense variant. On other transcripts: intron variant (1).
Genome position (GRCh38, 1-based): chr12:21,915,852, A>C on the plus strand (T>G on the coding strand, the complement: ABCC9 is on the minus strand). VCF-style: chr12-21915852-A-C. GRCh37 (hg19) VCF-style: chr12-22068786-A-C.
Other names: c.632T>G, p.Leu211Arg (NM_001377273.1, NM_005691.4); c.-48-2786T>G (NM_001377274.1); short protein forms L211R.
Identifiers: ClinVar variation 1752900 (VCV001752900.2), dbSNP rs2541736804, ClinGen allele CA384124631.

ClinVar aggregate classification (germline): Likely pathogenic (1 of 4 stars; one submission).

Conditions:
Cardiovascular phenotype. Identifiers: MedGen CN230736.

Submission:

Ambry Genetics
Classification: Likely pathogenic for Cardiovascular phenotype. Last evaluated: 2024-01-25. Review status: criteria provided, single submitter. Criteria: Ambry Variant Classification Scheme 2023. Collection method: clinical testing. Allele origin: germline.
Comment: The p.L211R variant (also known as c.632T>G), located in coding exon 5 of the ABCC9 gene, results from a T to G substitution at nucleotide position 632. The leucine at codon 211 is replaced by arginine, an amino acid with dissimilar properties. This variant is considered to be rare based on population cohorts in the Genome Aggregation Database (gnomAD). This amino acid position is highly conserved in available vertebrate species. In addition, this alteration is predicted to be deleterious by in silico analysis. Based on the majority of available evidence to date, this variant is likely to be pathogenic.